The following is an entry in ClinVar:

ClinVar aggregate classification (germline): Conflicting classifications of pathogenicity. Review status: criteria provided, conflicting classifications (1 of 4 stars). 3 submissions from 3 submitters: Pathogenic (2); Uncertain significance (1). Last evaluated 2025-10-18.

Conditions:
Inborn genetic diseases. Identifiers: MedGen C0950123, MeSH D030342.

Allele frequency attached by ClinVar (database versions not stated): ExAC 0.00002; gnomAD exomes 0.00003; gnomAD 0.00007; TOPMed 0.00008.
gnomAD v4.1: 30 of 1,612,752 alleles (0.0019%); highest among the groups gnomAD compares: African/African-American, 0.013%; no homozygotes.

Submissions (3):

Labcorp Genetics (formerly Invitae), Labcorp
Classification: Pathogenic. Last evaluated: 2025-10-18. Review status: criteria provided, single submitter. Criteria: Invitae Variant Classification Sherloc (09022015). Collection method: clinical testing. Allele origin: germline.
Comment: This sequence change creates a premature translational stop signal (p.Arg11*) in the CEP63 gene. It is expected to result in an absent or disrupted protein product. Loss-of-function variants in CEP63 are known to be pathogenic (PMID: 21983783, 23936128, 26158450). This variant is present in population databases (rs763001827, gnomAD 0.01%). This variant has not been reported in the literature in individuals affected with CEP63-related conditions. ClinVar contains an entry for this variant (Variation ID: 501990). For these reasons, this variant has been classified as Pathogenic.

Eurofins Ntd Llc (ga)
Classification: Uncertain significance. Last evaluated: 2017-05-23. Review status: criteria provided, single submitter. Criteria: EGL Classification Definitions 2015. Collection method: clinical testing. Allele origin: germline. Observed: 1 variant allele, 1 heterozygote.

Ambry Genetics
Classification: Pathogenic for Inborn genetic diseases. Last evaluated: 2015-07-27. Review status: criteria provided, single submitter. Criteria: Ambry exome assertion method (8-5-2015). Collection method: clinical testing. Allele origin: germline. Affected: yes. Observed: 1 variant allele.

Literature cited by the submitters: PubMed 21983783 (cited by Labcorp Genetics (formerly Invitae), Labcorp); PubMed 23936128 (cited by Labcorp Genetics (formerly Invitae), Labcorp); PubMed 26158450 (cited by Labcorp Genetics (formerly Invitae), Labcorp).

NM_001353108.3(CEP63):c.31C>T (p.Arg11Ter)

Gene: CEP63 (centrosomal protein 63; plus strand). Cytogenetic location: 3q22.2.
Variant type: single nucleotide variant.
Coding change: c.31C>T on transcript NM_001353108.3 (MANE Select); coding-DNA position 31, C replaced by T.
Protein change: p.Arg11Ter; replaces arginine 11 with a stop codon.
Molecular consequence: nonsense. On other transcripts: 5 prime UTR variant (2), non-coding transcript variant (4), missense variant (1).
Genome position (GRCh38, 1-based): chr3:134,495,351, C>T. VCF-style: chr3-134495351-C-T. GRCh37 (hg19) VCF-style: chr3-134214193-C-T.
Other names: c.31C>T, p.Arg11Ter (NM_001042383.2, NM_001042384.2, NM_001042400.3 and 13 more transcripts); c.-50C>T (NM_001353125.2); c.-351C>T (NM_001353126.2); c.62C>T, p.Ser21Leu (NM_001353118.1); short protein forms R11*, S21L.
Identifiers: ClinVar variation 501990 (VCV000501990.10), dbSNP rs763001827, ClinGen allele CA2628225.
Genomic context (GRCh38, chr3:134,495,351, plus strand): 5'-GTCAGTTGCCAAAACAAAGGGGATTTGGTGATGGAGGCTTTGTTAGAAGGAATACAAAAT[C>T]GAGGGCATGGTGGGTAAGTTTGCTTTTTTTAAAATTAATTTTTTTGGTTAATACATGATT-3'